The following is an entry in ClinVar:

ClinVar aggregate classification (germline): Uncertain significance. Review status: criteria provided, multiple submitters, no conflicts (2 of 4 stars). 6 submissions from 6 submitters: Uncertain significance (5). 1 of the submissions does not count toward it. Last evaluated 2023-10-27.

Conditions:
Inborn genetic diseases. Identifiers: MedGen C0950123, MeSH D030342.
Mucopolysaccharidosis type 1. Also called: Mucopolysaccharidosis Type I; IDUA deficiency; MPS I. Identifiers: Orphanet 579, MedGen C0023786, MONDO:0001586.

Allele frequency attached by ClinVar (database versions not stated): ExAC 0.00005; gnomAD exomes 0.00010; ESP Exome Variant Server 0.00015; gnomAD 0.00015 and 0.00017; 1000 Genomes Project 30x 0.00031; TOPMed 0.00041.
gnomAD v4.1: 133 of 1,613,320 alleles (0.0082%); highest among the groups gnomAD compares: Admixed American, 0.052%; no homozygotes.

Submissions (6):

Blueprint Genetics
Classification: Uncertain significance. Last evaluated: 2023-10-27. Review status: criteria provided, single submitter. Criteria: ACMG Guidelines, 2015. Collection method: clinical testing. Allele origin: germline.

Revvity Omics, Revvity
Classification: Uncertain significance. Last evaluated: 2023-04-16. Review status: criteria provided, single submitter. Criteria: ACMG Guidelines, 2015. Collection method: clinical testing. Allele origin: germline.

GeneDx
Classification: Uncertain significance. Last evaluated: 2023-03-24. Review status: criteria provided, single submitter. Criteria: GeneDx Variant Classification Process June 2021. Collection method: clinical testing. Allele origin: germline. Affected: yes.
Comment: In silico analysis supports that this missense variant does not alter protein structure/function; Observed with pathogenic variant, phase unknown, in a patient with features suggestive of a non-ciliopathy multisystemic condition, but additional clinical information was not provided (Best et al., 2022); This variant is associated with the following publications: (PMID: 34716235)

Labcorp Genetics (formerly Invitae), Labcorp
Classification: Uncertain significance for Mucopolysaccharidosis type 1. Last evaluated: 2022-09-27. Review status: criteria provided, single submitter. Criteria: Invitae Variant Classification Sherloc (09022015). Collection method: clinical testing. Allele origin: germline.
Comment: This sequence change replaces alanine, which is neutral and non-polar, with threonine, which is neutral and polar, at codon 136 of the IDUA protein (p.Ala136Thr). This variant is present in population databases (rs112571714, gnomAD 0.04%). This missense change has been observed in individual(s) with clinical features of mucopolysaccharidosis type I (Invitae). ClinVar contains an entry for this variant (Variation ID: 964816). Advanced modeling of protein sequence and biophysical properties (such as structural, functional, and spatial information, amino acid conservation, physicochemical variation, residue mobility, and thermodynamic stability) performed at Invitae indicates that this missense variant is not expected to disrupt IDUA protein function. In summary, the available evidence is currently insufficient to determine the role of this variant in disease. Therefore, it has been classified as a Variant of Uncertain Significance.

Ambry Genetics
Classification: Uncertain significance for Inborn genetic diseases. Last evaluated: 2021-06-22. Review status: criteria provided, single submitter. Criteria: Ambry Variant Classification Scheme 2023. Collection method: clinical testing. Allele origin: germline.
Comment: The p.A136T variant (also known as c.406G>A), located in coding exon 4 of the IDUA gene, results from a G to A substitution at nucleotide position 406. The alanine at codon 136 is replaced by threonine, an amino acid with similar properties. This amino acid position is conserved. In addition, the in silico prediction for this alteration is inconclusive. Since supporting evidence is limited at this time, the clinical significance of this alteration remains unclear.

Natera, Inc.
Classification: Uncertain significance for Mucopolysaccharidosis type I. Last evaluated: 2020-05-18. Review status: no assertion criteria provided. Collection method: clinical testing. Allele origin: germline. Not counted in ClinVar's aggregate classification.

NM_000203.5(IDUA):c.406G>A (p.Ala136Thr)

Gene: IDUA (alpha-L-iduronidase; plus strand). Cytogenetic location: 4p16.3.
Variant type: single nucleotide variant.
Coding change: c.406G>A on transcript NM_000203.5 (MANE Select); coding-DNA position 406, G replaced by A.
Protein change: p.Ala136Thr; replaces alanine 136 with threonine.
Molecular consequence: missense variant. On other transcripts: non-coding transcript variant (1).
Genome position (GRCh38, 1-based): chr4:1,000,902, G>A. VCF-style: chr4-1000902-G-A. GRCh37 (hg19) VCF-style: chr4-994690-G-A.
Other names: c.10G>A, p.Ala4Thr (NM_001363576.1); c.406G>A (NM_000203.3); short protein forms A136T, A4T.
Identifiers: ClinVar variation 964816 (VCV000964816.13), dbSNP rs112571714, ClinGen allele CA2801915.